The following is an entry in ClinVar:

NM_003458.4(BSN):c.5107A>G (p.Ile1703Val)

Gene: BSN (bassoon presynaptic cytomatrix protein; plus strand). Cytogenetic location: 3p21.31.
Variant type: single nucleotide variant.
Coding change: c.5107A>G on transcript NM_003458.4 (MANE Select); coding-DNA position 5107, A replaced by G.
Protein change: p.Ile1703Val; replaces isoleucine 1703 with valine.
Molecular consequence: missense variant.
Genome position (GRCh38, 1-based): chr3:49,654,663, A>G. VCF-style: chr3-49654663-A-G. GRCh37 (hg19) VCF-style: chr3-49692096-A-G.
Other names: short protein forms I1703V.
Identifiers: ClinVar variation 3050073 (VCV003050073.3), dbSNP rs75825324, ClinGen allele CA2400265.
Genomic context (GRCh38, chr3:49,654,663, plus strand): 5'-GGCATGGACCTCACCTCTCTTGCTGTGGAAGCGAGGAAGTATGGTCTTGCCCTGGATCCA[A>G]TCCCAGGACGGCAGTCGACCGCCGTGCAGCCCTTGGTTATCAACCTCAATGCCCAGGAGC-3'
Protein context (NP_003449.2, residues 1693-1713): ARKYGLALDP[Ile1703Val]PGRQSTAVQP

ClinVar aggregate classification (germline): Uncertain significance. Review status: criteria provided, single submitter (1 of 4 stars). 2 submissions from 2 submitters: Uncertain significance (1). 1 of the submissions does not count toward it. Last evaluated 2025-08-09.

Conditions:
BSN-related disorder. Also called: BSN-related condition.

Allele frequency attached by ClinVar (database versions not stated): gnomAD exomes 0.00017; ExAC 0.00055; 1000 Genomes Project 0.00180; gnomAD 0.00190; TOPMed 0.00207; ESP Exome Variant Server 0.00215; 1000 Genomes Project 30x 0.00234.
gnomAD v4.1: 553 of 1,613,790 alleles (0.034%); highest among the groups gnomAD compares: African/African-American, 0.64%; 4 homozygotes.

Submissions (2):

Ambry Genetics
Classification: Uncertain significance. Last evaluated: 2025-08-09. Review status: criteria provided, single submitter. Criteria: Ambry Variant Classification Scheme 2023. Collection method: clinical testing. Allele origin: germline.

PreventionGenetics, part of Exact Sciences
Classification: Likely benign for BSN-related condition. Last evaluated: 2019-07-12. Review status: no assertion criteria provided. Collection method: clinical testing. Allele origin: germline. Not counted in ClinVar's aggregate classification.
Comment: This variant is classified as likely benign based on ACMG/AMP sequence variant interpretation guidelines (Richards et al. 2015 PMID: 25741868, with internal and published modifications).